The following is an entry in ClinVar:

ClinVar aggregate classification (germline): Uncertain significance (1 of 4 stars; one submission).

Conditions:
Inborn genetic diseases. Identifiers: MedGen C0950123, MeSH D030342.

Submission:

Ambry Genetics
Classification: Uncertain significance for Inborn genetic diseases. Last evaluated: 2025-05-18. Review status: criteria provided, single submitter. Criteria: Ambry Variant Classification Scheme 2023. Collection method: clinical testing. Allele origin: germline.
Comment: The p.S220T variant (also known as c.658T>A), located in coding exon 6 of the BUB1B gene, results from a T to A substitution at nucleotide position 658. The serine at codon 220 is replaced by threonine, an amino acid with similar properties. This amino acid position is conserved. In addition, this alteration is predicted to be tolerated by in silico analysis. Based on the available evidence, the clinical significance of this variant remains unclear.

NM_001211.6(BUB1B):c.658T>A (p.Ser220Thr)

Gene: BUB1B (BUB1 mitotic checkpoint serine/threonine kinase B; plus strand). Cytogenetic location: 15q15.1.
Variant type: single nucleotide variant.
Coding change: c.658T>A on transcript NM_001211.6 (MANE Select); coding-DNA position 658, T replaced by A.
Protein change: p.Ser220Thr; replaces serine 220 with threonine.
Molecular consequence: missense variant.
Genome position (GRCh38, 1-based): chr15:40,183,790, T>A. VCF-style: chr15-40183790-T-A. GRCh37 (hg19) VCF-style: chr15-40475991-T-A.
Other names: short protein forms S220T.
Identifiers: ClinVar variation 3993725 (VCV003993725.1).